The following is an entry in ClinVar:

ClinVar aggregate classification (germline): Uncertain significance. Review status: criteria provided, multiple submitters, no conflicts (2 of 4 stars). 3 submissions from 3 submitters: Uncertain significance (3). Last evaluated 2023-05-15.

Conditions:
Intellectual disability, autosomal recessive 53 (NEDHSCA). Also called: NEURODEVELOPMENTAL DISORDER WITH OR WITHOUT HYPOTONIA, SEIZURES, AND CEREBELLAR ATROPHY; GLYCOSYLPHOSPHATIDYLINOSITOL BIOSYNTHESIS DEFECT 13; Mental retardation, autosomal recessive 53. Identifiers: Orphanet 488635, MedGen C4310794, MONDO:0014832, OMIM 616917.
Inborn genetic diseases. Identifiers: MedGen C0950123, MeSH D030342.

Allele frequency attached by ClinVar (database versions not stated): gnomAD 0.00001; gnomAD exomes 0.00003.
gnomAD v4.1: 50 of 1,613,086 alleles (0.0031%); highest among the groups gnomAD compares: Non-Finnish European, 0.0013%; no homozygotes.

Submissions (3):

Mayo Clinic Laboratories, Mayo Clinic
Classification: Uncertain significance. Last evaluated: 2023-05-15. Review status: criteria provided, single submitter. Criteria: ACMG Guidelines, 2015. Collection method: clinical testing. Allele origin: germline. Observed: 1 variant allele.
Comment: PM2

Labcorp Genetics (formerly Invitae), Labcorp
Classification: Uncertain significance for Intellectual disability, autosomal recessive 53. Last evaluated: 2022-05-25. Review status: criteria provided, single submitter. Criteria: Invitae Variant Classification Sherloc (09022015). Collection method: clinical testing. Allele origin: germline.
Comment: In summary, the available evidence is currently insufficient to determine the role of this variant in disease. Therefore, it has been classified as a Variant of Uncertain Significance. Algorithms developed to predict the effect of missense changes on protein structure and function are either unavailable or do not agree on the potential impact of this missense change (SIFT: "Deleterious"; PolyPhen-2: "Probably Damaging"; Align-GVGD: "Class C0"). This variant has not been reported in the literature in individuals affected with PIGG-related conditions. This variant is present in population databases (rs782043428, gnomAD 0.08%). This sequence change replaces glycine, which is neutral and non-polar, with cysteine, which is neutral and slightly polar, at codon 86 of the PIGG protein (p.Gly86Cys).

Ambry Genetics
Classification: Uncertain significance for Inborn genetic diseases. Last evaluated: 2021-06-11. Review status: criteria provided, single submitter. Criteria: Ambry Variant Classification Scheme 2023. Collection method: clinical testing. Allele origin: germline.

NM_001127178.3(PIGG):c.256G>T (p.Gly86Cys)

Gene: PIGG (phosphatidylinositol glycan anchor biosynthesis class G (EMM blood group); plus strand). Cytogenetic location: 4p16.3.
Variant type: single nucleotide variant.
Coding change: c.256G>T on transcript NM_001127178.3 (MANE Select); coding-DNA position 256, G replaced by T.
Protein change: p.Gly86Cys; replaces glycine 86 with cysteine.
Molecular consequence: missense variant. On other transcripts: 5 prime UTR variant (10), non-coding transcript variant (10).
Genome position (GRCh38, 1-based): chr4:500,497, G>T. VCF-style: chr4-500497-G-T. GRCh37 (hg19) VCF-style: chr4-494286-G-T.
Other names: p.Gly86Cys; c.-12G>T (NM_001289051.2, NM_001289053.2, NM_001289057.2 and 2 more transcripts); c.256G>T, p.Gly86Cys (NM_001289052.2, NM_001345989.2, NM_017733.5); c.-181G>T (NM_001289055.2); c.-632G>T (NM_001345988.2); c.-1370G>T (NM_001345990.2); c.-1232G>T (NM_001345991.2); c.-957G>T (NM_001345994.2); and 1 more; short protein forms G86C.
Identifiers: ClinVar variation 2149063 (VCV002149063.4), dbSNP rs782043428, ClinGen allele CA2792945.